The following is an entry in ClinVar:

NM_017721.5(CC2D1A):c.1229C>T (p.Pro410Leu)

Gene: CC2D1A (coiled-coil and C2 domain containing 1A; plus strand). Cytogenetic location: 19p13.12.
Variant type: single nucleotide variant.
Coding change: c.1229C>T on transcript NM_017721.5 (MANE Select); coding-DNA position 1229, C replaced by T.
Protein change: p.Pro410Leu; replaces proline 410 with leucine.
Molecular consequence: missense variant.
Genome position (GRCh38, 1-based): chr19:13,919,824, C>T. VCF-style: chr19-13919824-C-T. GRCh37 (hg19) VCF-style: chr19-14030637-C-T.
Other names: c.1229C>T, p.Pro410Leu (NM_001411138.1); short protein forms P410L.
Identifiers: ClinVar variation 3263707 (VCV003263707.2).
Genomic context (GRCh38, chr19:13,919,824, plus strand): 5'-GTGAGTTGGTCTCCATCCTGACACACAATAACCAGGCCTCGACTGGCCACCCAGGCTTCC[C>T]CCCAATCCAGGGCCTGGAGGCCACCAAGCCCACCCAGCAGAGTCTGGTGGGTGTCCTGGA-3'
Protein context (NP_060191.3, residues 400-420): VAELPVPPGF[Pro410Leu]PIQGLEATKP

ClinVar aggregate classification (germline): Uncertain significance. Review status: criteria provided, multiple submitters, no conflicts (2 of 4 stars). 2 submissions from 2 submitters: Uncertain significance (2). Last evaluated 2025-08-12.

Conditions:
Inborn genetic diseases. Identifiers: MedGen C0950123, MeSH D030342.

Submissions (2):

GeneDx
Classification: Uncertain significance. Last evaluated: 2025-08-12. Review status: criteria provided, single submitter. Criteria: GeneDx Variant Classification Process June 2021. Collection method: clinical testing. Allele origin: germline. Affected: yes.
Comment: In silico analysis supports that this missense variant has a deleterious effect on protein structure/function; Has not been previously published as pathogenic or benign to our knowledge; In silico analysis suggests this variant may impact gene splicing. In the absence of RNA/functional studies, the actual effect of this sequence change is unknown.

Ambry Genetics
Classification: Uncertain significance for Inborn genetic diseases. Last evaluated: 2024-04-22. Review status: criteria provided, single submitter. Criteria: Ambry Variant Classification Scheme 2023. Collection method: clinical testing. Allele origin: germline.